The following is an entry in ClinVar:

ClinVar aggregate classification (germline): Likely benign. Review status: criteria provided, multiple submitters, no conflicts (2 of 4 stars). 6 submissions from 6 submitters: Likely benign (5). 1 of the submissions does not count toward it. Last evaluated 2026-01-06.

Conditions:
SLC39A13-related disorder. Also called: SLC39A13-related condition.
Ehlers-Danlos syndrome, spondylodysplastic type, 3. Also called: Ehlers-Danlos syndrome, spondylocheirodysplastic type. Identifiers: Orphanet 157965, MedGen C2676510, MONDO:0012873, OMIM 612350.

Allele frequency attached by ClinVar (database versions not stated): TOPMed 0.00015; ESP Exome Variant Server 0.00038.
gnomAD v4.1: 535 of 1,614,128 alleles (0.033%); highest among the groups gnomAD compares: Non-Finnish European, 0.044%; no homozygotes.

Submissions (6):

Labcorp Genetics (formerly Invitae), Labcorp
Classification: Likely benign for Ehlers-Danlos syndrome, spondylodysplastic type, 3. Last evaluated: 2026-01-06. Review status: criteria provided, single submitter. Criteria: Invitae Variant Classification Sherloc (09022015). Collection method: clinical testing. Allele origin: germline.

Women's Health and Genetics/Laboratory Corporation of America, LabCorp
Classification: Likely benign. Last evaluated: 2025-06-04. Review status: criteria provided, single submitter. Criteria: LabCorp Variant Classification Summary - May 2015. Collection method: clinical testing. Allele origin: germline.

Blueprint Genetics
Classification: Likely benign. Last evaluated: 2024-11-19. Review status: criteria provided, single submitter. Criteria: ACMG Guidelines, 2015. Collection method: clinical testing. Allele origin: germline.

CeGaT Center for Human Genetics Tuebingen
Classification: Likely benign. Last evaluated: 2024-03-01. Review status: criteria provided, single submitter. Criteria: CeGaT Center For Human Genetics Tuebingen Variant Classification Criteria Version 2. Collection method: clinical testing. Allele origin: germline. Affected: yes. Observed: 1 variant allele.
Comment: SLC39A13: BP4, BP7

GeneDx
Classification: Likely benign. Last evaluated: 2021-05-04. Review status: criteria provided, single submitter. Criteria: GeneDx Variant Classification Process June 2021. Collection method: clinical testing. Allele origin: germline. Affected: yes.

PreventionGenetics, part of Exact Sciences
Classification: Likely benign for SLC39A13-related condition. Last evaluated: 2019-07-10. Review status: no assertion criteria provided. Collection method: clinical testing. Allele origin: germline. Not counted in ClinVar's aggregate classification.
Comment: This variant is classified as likely benign based on ACMG/AMP sequence variant interpretation guidelines (Richards et al. 2015 PMID: 25741868, with internal and published modifications).

NM_001128225.3(SLC39A13):c.492G>T (p.Ala164=)

Gene: SLC39A13 (solute carrier family 39 member 13; plus strand). Cytogenetic location: 11p11.2.
Variant type: single nucleotide variant.
Coding change: c.492G>T on transcript NM_001128225.3 (MANE Select); coding-DNA position 492, G replaced by T.
Protein change: p.Ala164=; no amino-acid change (alanine 164 retained).
Molecular consequence: synonymous variant. On other transcripts: non-coding transcript variant (1).
Genome position (GRCh38, 1-based): chr11:47,412,422, G>T. VCF-style: chr11-47412422-G-T. GRCh37 (hg19) VCF-style: chr11-47433973-G-T.
Other names: c.492G>T, p.Ala164= (NM_001330245.2, NM_152264.5).
Identifiers: ClinVar variation 537268 (VCV000537268.38), dbSNP rs149634596, ClinGen allele CA5975798.